The following is an entry in ClinVar:

NM_006231.4(POLE):c.2880T>A (p.Asn960Lys)

Gene: POLE (DNA polymerase epsilon, catalytic subunit; minus strand). Cytogenetic location: 12q24.33.
Variant type: single nucleotide variant.
Coding change: c.2880T>A on transcript NM_006231.4 (MANE Select); coding-DNA position 2880, T replaced by A.
Protein change: p.Asn960Lys; replaces asparagine 960 with lysine.
Molecular consequence: missense variant.
Genome position (GRCh38, 1-based): chr12:132,661,149, A>T on the plus strand (T>A on the coding strand, the complement: POLE is on the minus strand). VCF-style: chr12-132661149-A-T. GRCh37 (hg19) VCF-style: chr12-133237735-A-T.
Other names: short protein forms N960K.
Identifiers: ClinVar variation 1361972 (VCV001361972.8), dbSNP rs1555225966, ClinGen allele CA387392933.
Genomic context (GRCh38, chr12:132,661,149, plus strand): 5'-CTGCAGTTCCCCGCGGCGTTTGACCTCAAAGCCCTTGAGCTCAGCCAGAGAACCGTCTTC[A>T]TTGAACACAGCATACCTGAAAAAAAAAAAAAAGGCAAGCACAGCAGTGGCAAGGAGCGCT-3'
Protein context (NP_006222.2, residues 950-970): KKLKKRYAVF[Asn960Lys]EDGSLAELKG

ClinVar aggregate classification (germline): Uncertain significance (1 of 4 stars; one submission).

Submission:

Labcorp Genetics (formerly Invitae), Labcorp
Classification: Uncertain significance. Last evaluated: 2021-06-17. Review status: criteria provided, single submitter. Criteria: Invitae Variant Classification Sherloc (09022015). Collection method: clinical testing. Allele origin: germline.
Comment: In summary, the available evidence is currently insufficient to determine the role of this variant in disease. Therefore, it has been classified as a Variant of Uncertain Significance. Algorithms developed to predict the effect of sequence changes on RNA splicing suggest that this variant may create or strengthen a splice site, but this prediction has not been confirmed by published transcriptional studies. Algorithms developed to predict the effect of missense changes on protein structure and function (SIFT, PolyPhen-2, Align-GVGD) all suggest that this variant is likely to be disruptive, but these predictions have not been confirmed by published functional studies and their clinical significance is uncertain. This variant has not been reported in the literature in individuals with POLE-related conditions. This variant is not present in population databases (ExAC no frequency). This sequence change replaces asparagine with lysine at codon 960 of the POLE protein (p.Asn960Lys). The asparagine residue is highly conserved and there is a moderate physicochemical difference between asparagine and lysine.